The following is an entry in ClinVar:

ClinVar aggregate classification (germline): Pathogenic (1 of 4 stars; one submission).

Conditions:
Intellectual developmental disorder, X-linked, syndromic, Hedera type. Also called: Syndromic X-linked intellectual disability Hedera type. Identifiers: Orphanet 93952, MedGen C1845543, MONDO:0010319, OMIM 300423.

Submission:

Women's Health and Genetics/Laboratory Corporation of America, LabCorp
Classification: Pathogenic for Intellectual developmental disorder, X-linked, syndromic, Hedera type. Last evaluated: 2024-05-09. Review status: criteria provided, single submitter. Criteria: LabCorp Variant Classification Summary - May 2015. Collection method: clinical testing. Allele origin: germline.
Comment: Variant summary: ATP6AP2 c.284C>A (p.Ser95X) results in a premature termination codon, predicted to cause a truncation of the encoded protein or absence of the protein due to nonsense mediated decay, which are commonly known mechanisms for disease. The variant was absent in 183332 control chromosomes. To our knowledge, no occurrence of c.284C>A in individuals affected with Syndromic X-Linked Intellectual Disability Hedera Type and no experimental evidence demonstrating its impact on protein function have been reported. No submitters have cited clinical-significance assessments for this variant to ClinVar. Based on the evidence outlined above, the variant was classified as pathogenic.

NM_005765.3(ATP6AP2):c.284C>A (p.Ser95Ter)

Gene: ATP6AP2 (ATPase H+ transporting accessory protein 2; plus strand). Cytogenetic location: Xp11.4.
Variant type: single nucleotide variant.
Coding change: c.284C>A on transcript NM_005765.3 (MANE Select); coding-DNA position 284, C replaced by A.
Protein change: p.Ser95Ter; replaces serine 95 with a stop codon.
Molecular consequence: nonsense.
Genome position (GRCh38, 1-based): chrX:40,591,349, C>A. VCF-style: chrX-40591349-C-A. GRCh37 (hg19) VCF-style: chrX-40450601-C-A.
Other names: short protein forms S95*.
Identifiers: ClinVar variation 3336071 (VCV003336071.1).
Genomic context (GRCh38, chrX:40,591,349, plus strand): 5'-CCGTCATGGTGATGGTGAAGGGAGTGAACAAACTGGCTCTACCCCCAGGCAGTGTCATTT[C>A]GTACCCTTTGGAGAATGTGAGTATTTATTATAAAAAATTAAAGGGATGCATTTTACATTT-3'